The following is an entry in ClinVar:

ClinVar aggregate classification (germline): Uncertain significance (1 of 4 stars; one submission).

Conditions:
Arrhythmogenic right ventricular dysplasia 10. Also called: Arrhythmogenic right ventricular dysplasia/cardiomyopathy, type 10; Arrhythmogenic Right Ventricular Dysplasia/Cardiomyopathy10; ARRHYTHMOGENIC RIGHT VENTRICULAR DYSPLASIA, FAMILIAL, 10. Identifiers: MedGen C1857777, MONDO:0012434, OMIM 610193.

Submission:

Labcorp Genetics (formerly Invitae), Labcorp
Classification: Uncertain significance for Arrhythmogenic right ventricular dysplasia 10. Last evaluated: 2025-12-17. Review status: criteria provided, single submitter. Criteria: Invitae Variant Classification Sherloc (09022015). Collection method: clinical testing. Allele origin: germline.
Comment: This variant, c.812_813insCAT, results in the insertion of 1 amino acid(s) of the DSG2 protein (p.Val271_Val272insIle), but otherwise preserves the integrity of the reading frame. This variant is not present in population databases (gnomAD no frequency). This variant has not been reported in the literature in individuals affected with DSG2-related conditions. ClinVar contains an entry for this variant (Variation ID: 1951499). Experimental studies and prediction algorithms are not available or were not evaluated, and the functional significance of this variant is currently unknown. In summary, the available evidence is currently insufficient to determine the role of this variant in disease. Therefore, it has been classified as a Variant of Uncertain Significance.

NM_001943.5(DSG2):c.812_813insCAT (p.Val271_Val272insIle)

Gene: DSG2 (desmoglein 2; plus strand). Cytogenetic location: 18q12.1.
Variant type: Insertion.
Coding change: c.812_813insCAT on transcript NM_001943.5 (MANE Select); coding-DNA positions 812 to 813, CAT inserted.
Protein change: p.Val271_Val272insIle.
Molecular consequence: inframe insertion.
Genome position: GRCh38 VCF-style: chr18-31524568-G-GTCA. GRCh37 (hg19) VCF-style: chr18-29104531-G-GTCA.
Identifiers: ClinVar variation 1951499 (VCV001951499.5), dbSNP rs2073149728, ClinGen allele CA2293857092.